The following is an entry in ClinVar:

ClinVar aggregate classification (germline): Uncertain significance. Review status: criteria provided, single submitter (1 of 4 stars). 2 submissions from 2 submitters: Uncertain significance (1). 1 of the submissions does not count toward it. Last evaluated 2025-01-14.

Conditions:
Cold-induced sweating syndrome 1 (CISS1). Also called: MUSCLE CONTRACTIONS, TETANOFORM, WITH CHARACTERISTIC FACE, CAMPTODACTYLY, HYPERTHERMIA, AND SUDDEN DEATH; CRLF1-Related Cold-Induced Sweating Syndrome including Crisponi Syndrome; Crisponi syndrome; CRISPONI/COLD-INDUCED SWEATING SYNDROME 1. Identifiers: Orphanet 1545, Orphanet 157820, MedGen C1848947, MONDO:0010091, OMIM 272430.

Submissions (2):

Women's Health and Genetics/Laboratory Corporation of America, LabCorp
Classification: Uncertain significance. Last evaluated: 2025-01-14. Review status: criteria provided, single submitter. Criteria: LabCorp Variant Classification Summary - May 2015. Collection method: clinical testing. Allele origin: germline.
Comment: Variant summary: CRLF1 c.527+5G>A alters a non-conserved nucleotide located close to a canonical splice site and therefore could affect mRNA splicing, leading to a significantly altered protein sequence. Several computational tools predict a significant impact on normal splicing: Three predict the variant abolishes a 5' splicing donor site. However, these predictions have yet to be confirmed by functional studies. The variant was absent in 251278 control chromosomes. c.527+5G>A has been reported in the literature in at least one homozygous individual affected with Cold-Induced Sweating Syndrome (Dagoneau_2007). These data indicate that the variant may be associated with disease. To our knowledge, no experimental evidence demonstrating an impact on protein function has been reported. The following publication has been ascertained in the context of this evaluation (PMID: 17436251). ClinVar contains an entry for this variant (Variation ID: 5709). Based on the evidence outlined above, the variant was classified as VUS-possibly pathogenic.

OMIM
Classification: Pathogenic for CRISPONI/COLD-INDUCED SWEATING SYNDROME 1. Last evaluated: 2007-05-01. Review status: no assertion criteria provided. Collection method: literature only. Allele origin: germline. Not counted in ClinVar's aggregate classification.

Literature cited by the submitters: PubMed 17436251 (cited by Women's Health and Genetics/Laboratory Corporation of America, LabCorp and OMIM).

NM_004750.5(CRLF1):c.527+5G>A

Gene: CRLF1 (cytokine receptor like factor 1; minus strand). Cytogenetic location: 19p13.11.
Variant type: single nucleotide variant.
Coding change: c.527+5G>A on transcript NM_004750.5 (MANE Select); 5 bases into the intron after coding-DNA position 527, G replaced by A.
Molecular consequence: intron variant.
Genome position (GRCh38, 1-based): chr19:18,598,767, C>T on the plus strand (G>A on the coding strand, the complement: CRLF1 is on the minus strand). VCF-style: chr19-18598767-C-T. GRCh37 (hg19) VCF-style: chr19-18709577-C-T.
Other names: 527+5G-A.
Identifiers: ClinVar variation 5709 (VCV000005709.3), dbSNP rs748847434, ClinGen allele CA913190962.